The following is an entry in ClinVar:

NM_006516.4(SLC2A1):c.690G>C (p.Lys230Asn)

Gene: SLC2A1 (solute carrier family 2 member 1; minus strand). Cytogenetic location: 1p34.2.
Variant type: single nucleotide variant.
Coding change: c.690G>C on transcript NM_006516.4 (MANE Select); coding-DNA position 690, G replaced by C.
Protein change: p.Lys230Asn; replaces lysine 230 with asparagine.
Molecular consequence: missense variant.
Genome position (GRCh38, 1-based): chr1:42,929,770, C>G on the plus strand (G>C on the coding strand, the complement: SLC2A1 is on the minus strand). VCF-style: chr1-42929770-C-G. GRCh37 (hg19) VCF-style: chr1-43395441-C-G.
Other names: short protein forms K230N.
Identifiers: ClinVar variation 1042289 (VCV001042289.9), dbSNP rs1643467923, ClinGen allele CA339958288.

ClinVar aggregate classification (germline): Uncertain significance (1 of 4 stars; one submission).

Conditions:
GLUT1 deficiency syndrome 1, autosomal recessive. Identifiers: MedGen C3149117.

gnomAD v4.1: 1 of 1,614,194 alleles (0.000062%); highest among the groups gnomAD compares: Non-Finnish European, 0.000085%; no homozygotes.

Submission:

Labcorp Genetics (formerly Invitae), Labcorp
Classification: Uncertain significance for GLUT1 deficiency syndrome 1, autosomal recessive. Last evaluated: 2021-03-09. Review status: criteria provided, single submitter. Criteria: Invitae Variant Classification Sherloc (09022015). Collection method: clinical testing. Allele origin: germline.
Comment: In summary, the available evidence is currently insufficient to determine the role of this variant in disease. Therefore, it has been classified as a Variant of Uncertain Significance. Algorithms developed to predict the effect of missense changes on protein structure and function (SIFT, PolyPhen-2, Align-GVGD) all suggest that this variant is likely to be disruptive, but these predictions have not been confirmed by published functional studies and their clinical significance is uncertain. This variant has not been reported in the literature in individuals with SLC2A1-related conditions. This variant is not present in population databases (ExAC no frequency). This sequence change replaces lysine with asparagine at codon 230 of the SLC2A1 protein (p.Lys230Asn). The lysine residue is highly conserved and there is a moderate physicochemical difference between lysine and asparagine.